The following is an entry in ClinVar:

NM_018263.6(ASXL2):c.2684C>T (p.Thr895Ile)

Gene: ASXL2 (ASXL transcriptional regulator 2; minus strand). Cytogenetic location: 2p23.3.
Variant type: single nucleotide variant.
Coding change: c.2684C>T on transcript NM_018263.6 (MANE Select); coding-DNA position 2684, C replaced by T.
Protein change: p.Thr895Ile; replaces threonine 895 with isoleucine.
Molecular consequence: missense variant.
Genome position (GRCh38, 1-based): chr2:25,743,653, G>A on the plus strand (C>T on the coding strand, the complement: ASXL2 is on the minus strand). VCF-style: chr2-25743653-G-A. GRCh37 (hg19) VCF-style: chr2-25966522-G-A.
Other names: c.2510C>T, p.Thr837Ile (NM_001369346.1); c.1904C>T, p.Thr635Ile (NM_001369347.1); short protein forms T635I, T837I, T895I.
Identifiers: ClinVar variation 2412968 (VCV002412968.3), dbSNP rs2465305843, ClinGen allele CA346080516.

ClinVar aggregate classification (germline): Uncertain significance (1 of 4 stars; one submission).

Allele frequency attached by ClinVar (database versions not stated): gnomAD exomes below 0.00001.
gnomAD v4.1: 1 of 1,614,026 alleles (0.000062%); highest among the groups gnomAD compares: South Asian, 0.0011%; no homozygotes.

Submission:

GeneDx
Classification: Uncertain significance. Last evaluated: 2022-07-28. Review status: criteria provided, single submitter. Criteria: GeneDx Variant Classification Process June 2021. Collection method: clinical testing. Allele origin: germline. Affected: yes.
Comment: Not observed at significant frequency in large population cohorts (gnomAD); In silico analysis supports that this missense variant does not alter protein structure/function; Has not been previously published as pathogenic or benign to our knowledge